The following is an entry in ClinVar:

NM_033100.4(CDHR1):c.539C>T (p.Pro180Leu)

Gene: CDHR1 (cadherin related family member 1; plus strand). Cytogenetic location: 10q23.1.
Variant type: single nucleotide variant.
Coding change: c.539C>T on transcript NM_033100.4 (MANE Select); coding-DNA position 539, C replaced by T.
Protein change: p.Pro180Leu; replaces proline 180 with leucine.
Molecular consequence: missense variant.
Genome position (GRCh38, 1-based): chr10:84,201,820, C>T. VCF-style: chr10-84201820-C-T. GRCh37 (hg19) VCF-style: chr10-85961576-C-T.
Other names: c.539C>T, p.Pro180Leu (NM_001171971.3); short protein forms P180L.
Identifiers: ClinVar variation 1396586 (VCV001396586.6), dbSNP rs770839275, ClinGen allele CA5579581.

ClinVar aggregate classification (germline): Uncertain significance (1 of 4 stars; one submission).

Allele frequency attached by ClinVar (database versions not stated): gnomAD exomes below 0.00001 and 0.00001; ExAC 0.00001.
gnomAD v4.1: 8 of 1,610,502 alleles (0.0005%); highest among the groups gnomAD compares: Non-Finnish European, 0.00068%; no homozygotes.

Submission:

Labcorp Genetics (formerly Invitae), Labcorp
Classification: Uncertain significance. Last evaluated: 2021-12-08. Review status: criteria provided, single submitter. Criteria: Invitae Variant Classification Sherloc (09022015). Collection method: clinical testing. Allele origin: germline.
Comment: This sequence change replaces proline, which is neutral and non-polar, with leucine, which is neutral and non-polar, at codon 180 of the CDHR1 protein (p.Pro180Leu). The frequency data for this variant in the population databases is considered unreliable, as metrics indicate poor data quality at this position in the gnomAD database. This variant has not been reported in the literature in individuals affected with CDHR1-related conditions. Advanced modeling of protein sequence and biophysical properties (such as structural, functional, and spatial information, amino acid conservation, physicochemical variation, residue mobility, and thermodynamic stability) performed at Invitae indicates that this missense variant is not expected to disrupt CDHR1 protein function. In summary, the available evidence is currently insufficient to determine the role of this variant in disease. Therefore, it has been classified as a Variant of Uncertain Significance.